The following is an entry in ClinVar:

NM_001206927.2(DNAH8):c.8313G>A (p.Leu2771=)

Gene: DNAH8 (dynein axonemal heavy chain 8; plus strand). Cytogenetic location: 6p21.2.
Variant type: single nucleotide variant.
Coding change: c.8313G>A on transcript NM_001206927.2 (MANE Select); coding-DNA position 8313, G replaced by A.
Protein change: p.Leu2771=; no amino-acid change (leucine 2771 retained).
Molecular consequence: synonymous variant.
Genome position (GRCh38, 1-based): chr6:38,886,844, G>A. VCF-style: chr6-38886844-G-A. GRCh37 (hg19) VCF-style: chr6-38854620-G-A.
Other names: c.7662G>A, p.Leu2554= (NM_001371.4).
Identifiers: ClinVar variation 3048193 (VCV003048193.2), dbSNP rs2533236265, ClinGen allele CA450003169.

ClinVar aggregate classification (germline): Likely benign (0 of 4 stars; one submission).

Conditions:
DNAH8-related disorder. Also called: DNAH8-related condition.

Submission:

PreventionGenetics, part of Exact Sciences
Classification: Likely benign for DNAH8-related condition. Last evaluated: 2022-04-19. Review status: no assertion criteria provided. Collection method: clinical testing. Allele origin: germline.
Comment: This variant is classified as likely benign based on ACMG/AMP sequence variant interpretation guidelines (Richards et al. 2015 PMID: 25741868, with internal and published modifications).